The following is an entry in ClinVar:

NM_000069.3(CACNA1S):c.868A>G (p.Thr290Ala)

Gene: CACNA1S (calcium voltage-gated channel subunit alpha1 S; minus strand). Cytogenetic location: 1q32.1.
Variant type: single nucleotide variant.
Coding change: c.868A>G on transcript NM_000069.3 (MANE Select); coding-DNA position 868, A replaced by G.
Protein change: p.Thr290Ala; replaces threonine 290 with alanine.
Molecular consequence: missense variant.
Genome position (GRCh38, 1-based): chr1:201,089,290, T>C on the plus strand (A>G on the coding strand, the complement: CACNA1S is on the minus strand). VCF-style: chr1-201089290-T-C. GRCh37 (hg19) VCF-style: chr1-201058418-T-C.
Other names: c.868A>G (NM_000069.2); short protein forms T290A.
Identifiers: ClinVar variation 1041103 (VCV001041103.11), dbSNP rs749324671, ClinGen allele CA084024.

ClinVar aggregate classification (germline): Uncertain significance. Review status: criteria provided, multiple submitters, no conflicts (2 of 4 stars). 3 submissions from 3 submitters: Uncertain significance (3). Last evaluated 2026-06-10.

Conditions:
Inborn genetic diseases. Identifiers: MedGen C0950123, MeSH D030342.
Malignant hyperthermia, susceptibility to, 5 (MHS5). Also called: CACNA1S-Related Malignant Hyperthermia Susceptibility. Identifiers: Orphanet 423, MedGen C1866077, MONDO:0011163, OMIM 601887.
Hypokalemic periodic paralysis, type 1. Also called: Hypokalemic Periodic Paralysis Type 1 (AD); HypoPP. Identifiers: Orphanet 681, MedGen C3714580, MONDO:0042979, OMIM 170400.

Allele frequency attached by ClinVar (database versions not stated): ExAC 0.00001; gnomAD exomes 0.00001 and 0.00002; gnomAD 0.00001; TOPMed 0.00001.
gnomAD v4.1: 8 of 1,614,122 alleles (0.0005%); highest among the groups gnomAD compares: Admixed American, 0.012%; no homozygotes.

Submissions (3):

Ambry Genetics
Classification: Uncertain significance for Inborn genetic diseases. Last evaluated: 2026-06-10. Review status: criteria provided, single submitter. Criteria: Ambry Variant Classification Scheme 2023. Collection method: clinical testing. Allele origin: germline.
Comment: The c.868A>G (p.T290A) alteration is located in exon 6 (coding exon 6) of the CACNA1S gene. This alteration results from a A to G substitution at nucleotide position 868, causing the threonine (T) at amino acid position 290 to be replaced by an alanine (A). Based on data from gnomAD, the G allele has an overall frequency of 0.002% (4/251404) total alleles studied. The highest observed frequency was 0.012% (4/34590) of Latino alleles. Based on insufficient or conflicting evidence, the clinical significance of this alteration remains unclear.

Labcorp Genetics (formerly Invitae), Labcorp
Classification: Uncertain significance for Hypokalemic periodic paralysis, type 1; Malignant hyperthermia, susceptibility to, 5. Last evaluated: 2025-07-13. Review status: criteria provided, single submitter. Criteria: Invitae Variant Classification Sherloc (09022015). Collection method: clinical testing. Allele origin: germline.
Comment: This sequence change replaces threonine, which is neutral and polar, with alanine, which is neutral and non-polar, at codon 290 of the CACNA1S protein (p.Thr290Ala). This variant is present in population databases (rs749324671, gnomAD 0.01%). This variant has not been reported in the literature in individuals affected with CACNA1S-related conditions. ClinVar contains an entry for this variant (Variation ID: 1041103). Invitae Evidence Modeling of protein sequence and biophysical properties (such as structural, functional, and spatial information, amino acid conservation, physicochemical variation, residue mobility, and thermodynamic stability) has been performed for this missense variant. However, the output from this modeling did not meet the statistical confidence thresholds required to predict the impact of this variant on CACNA1S protein function. In summary, the available evidence is currently insufficient to determine the role of this variant in disease. Therefore, it has been classified as a Variant of Uncertain Significance.

All of Us Research Program, National Institutes of Health
Classification: Uncertain significance for Malignant hyperthermia, susceptibility to, 5. Last evaluated: 2024-05-14. Review status: criteria provided, single submitter. Criteria: ACMG Guidelines, 2015. Collection method: clinical testing. Allele origin: germline. Inheritance: Autosomal dominant inheritance. Observed: 2 variant alleles, 2 heterozygotes.
Comment: This missense variant replaces threonine with alanine at codon 290 of the CACNA1S protein. Computational prediction suggests that this variant may have deleterious impact on protein structure and function (internally defined REVEL score threshold >= 0.7, PMID: 27666373). To our knowledge, functional studies have not been reported for this variant. This variant has not been reported in individuals affected with CACNA1S-related disorders in the literature. This variant has been identified in 4/251404 chromosomes in the general population by the Genome Aggregation Database (gnomAD). The available evidence is insufficient to determine the role of this variant in disease conclusively. Therefore, this variant is classified as a Variant of Uncertain Significance.

This study involves interpretation of variants in research participants for the purpose of population health screening. Participant phenotype was not available at the time of variant classification. Additional details can be found in publication PMID: 35346344, PMCID: PMC8962531